The following is an entry in ClinVar:

ClinVar aggregate classification (germline): Uncertain significance. Review status: criteria provided, multiple submitters, no conflicts (2 of 4 stars). 3 submissions from 3 submitters: Uncertain significance (3). Last evaluated 2025-02-15.

Allele frequency attached by ClinVar (database versions not stated): gnomAD exomes below 0.00001 and 0.00002; gnomAD 0.00004; TOPMed 0.00005.
gnomAD v4.1: 13 of 1,613,990 alleles (0.00081%); highest among the groups gnomAD compares: Admixed American, 0.018%; no homozygotes.

Submissions (3):

Labcorp Genetics (formerly Invitae), Labcorp
Classification: Uncertain significance. Last evaluated: 2025-02-15. Review status: criteria provided, single submitter. Criteria: Invitae Variant Classification Sherloc (09022015). Collection method: clinical testing. Allele origin: germline.
Comment: This sequence change replaces asparagine, which is neutral and polar, with serine, which is neutral and polar, at codon 999 of the DSCAML1 protein (p.Asn999Ser). This variant is present in population databases (no rsID available, gnomAD 0.02%). This variant has not been reported in the literature in individuals affected with DSCAML1-related conditions. ClinVar contains an entry for this variant (Variation ID: 1413246). An algorithm developed to predict the effect of missense changes on protein structure and function (PolyPhen-2) suggests that this variant is likely to be tolerated. In summary, the available evidence is currently insufficient to determine the role of this variant in disease. Therefore, it has been classified as a Variant of Uncertain Significance.

Ambry Genetics
Classification: Uncertain significance. Last evaluated: 2024-04-23. Review status: criteria provided, single submitter. Criteria: Ambry Variant Classification Scheme 2023. Collection method: clinical testing. Allele origin: germline.

Breakthrough Genomics
Classification: Uncertain significance. Review status: criteria provided, single submitter. Criteria: ACMG Guidelines, 2015. Collection method: not provided. Allele origin: germline. Inheritance: Unknown mechanism. Affected: yes.

NM_020693.4(DSCAML1):c.2816A>G (p.Asn939Ser)

Gene: DSCAML1 (DS cell adhesion molecule like 1; minus strand). Cytogenetic location: 11q23.3.
Variant type: single nucleotide variant.
Coding change: c.2816A>G on transcript NM_020693.4 (MANE Select); coding-DNA position 2816, A replaced by G.
Protein change: p.Asn939Ser; replaces asparagine 939 with serine.
Molecular consequence: missense variant.
Genome position (GRCh38, 1-based): chr11:117,472,006, T>C on the plus strand (A>G on the coding strand, the complement: DSCAML1 is on the minus strand). VCF-style: chr11-117472006-T-C. GRCh37 (hg19) VCF-style: chr11-117342721-T-C.
Other names: c.2996A>G (NM_020693.2); short protein forms N939S.
Identifiers: ClinVar variation 1413246 (VCV001413246.8), dbSNP rs1449717149, ClinGen allele CA382744805.